The following is an entry in ClinVar:

NM_001148.6(ANK2):c.9172C>T (p.Arg3058Cys)

Gene: ANK2 (ankyrin 2; plus strand). Cytogenetic location: 4q26.
Variant type: single nucleotide variant.
Coding change: c.9172C>T on transcript NM_001148.6 (MANE Select); coding-DNA position 9172, C replaced by T.
Protein change: p.Arg3058Cys; replaces arginine 3058 with cysteine.
Molecular consequence: missense variant. On other transcripts: intron variant (68).
Genome position (GRCh38, 1-based): chr4:113,357,790, C>T. VCF-style: chr4-113357790-C-T. GRCh37 (hg19) VCF-style: chr4-114278946-C-T.
Other names: c.8938C>T, p.Arg2980Cys (NM_001386142.1); c.5572C>T, p.Arg1858Cys (NM_001386166.1); c.9313C>T, p.Arg3105Cys (NM_001386174.1); c.9289C>T, p.Arg3097Cys (NM_001386175.1); c.4412-3033C>T (NM_001386186.2, NM_001386148.2); c.4214-3033C>T (NM_001354269.3); c.4292-3033C>T (NM_001386187.2); c.4253-3033C>T (NM_001386147.1); and 35 more; short protein forms R3058C, R1858C, R2980C, R3097C, R3105C.
Identifiers: ClinVar variation 457064 (VCV000457064.8), dbSNP rs188282049, ClinGen allele CA3051879.

ClinVar aggregate classification (germline): Conflicting classifications of pathogenicity. Review status: criteria provided, conflicting classifications (1 of 4 stars). 3 submissions from 3 submitters: Uncertain significance (2); Benign (1). Last evaluated 2024-06-11.

Conditions:
Cardiovascular phenotype. Identifiers: MedGen CN230736.
Long QT syndrome (LQTS). Identifiers: MedGen C0023976, MeSH D008133, MONDO:0002442. Disease mechanism: loss of function. Inheritance: Various modes of inheritance.

Allele frequency attached by ClinVar (database versions not stated): gnomAD exomes 0.00001 and 0.00002; ExAC 0.00002; TOPMed 0.00003; gnomAD 0.00005; 1000 Genomes Project 30x 0.00016; 1000 Genomes Project 0.00020.
gnomAD v4.1: 24 of 1,613,866 alleles (0.0015%); highest among the groups gnomAD compares: African/African-American, 0.016%; no homozygotes.

Submissions (3):

Labcorp Genetics (formerly Invitae), Labcorp
Classification: Uncertain significance for Long QT syndrome. Last evaluated: 2024-06-11. Review status: criteria provided, single submitter. Criteria: Invitae Variant Classification Sherloc (09022015). Collection method: clinical testing. Allele origin: germline.
Comment: This sequence change replaces arginine, which is basic and polar, with cysteine, which is neutral and slightly polar, at codon 3058 of the ANK2 protein (p.Arg3058Cys). This variant is present in population databases (rs188282049, gnomAD 0.02%). This missense change has been observed in individual(s) with neurodevelopmental disorders (PMID: 33004838). This variant is also known as Arg3090Cys. ClinVar contains an entry for this variant (Variation ID: 457064). An algorithm developed to predict the effect of missense changes on protein structure and function (PolyPhen-2) suggests that this variant is likely to be disruptive. In summary, the available evidence is currently insufficient to determine the role of this variant in disease. Therefore, it has been classified as a Variant of Uncertain Significance.

GeneDx
Classification: Uncertain significance. Last evaluated: 2022-11-04. Review status: criteria provided, single submitter. Criteria: GeneDx Variant Classification Process June 2021. Collection method: clinical testing. Allele origin: germline. Affected: yes.
Comment: Identified in a patient with a neurodevelopmental disorder in published literature (Wang 2020); however, detailed clinical information was not provided; In silico analysis supports that this missense variant has a deleterious effect on protein structure/function; Located in exon 38, which is reported as being expressed in a brain-specific transcript (Otto et al, 1991; Cunha et al, 2008; Wu et al, 2015); This variant is associated with the following publications: (PMID: 1830053, 18790697, 26109584, 33004838)

Ambry Genetics
Classification: Benign for Cardiovascular phenotype. Last evaluated: 2021-09-29. Review status: criteria provided, single submitter. Criteria: Ambry Variant Classification Scheme 2023. Collection method: clinical testing. Allele origin: germline.

Literature cited by the submitters: PubMed 33004838 (cited by Labcorp Genetics (formerly Invitae), Labcorp).